The following is an entry in ClinVar:

ClinVar aggregate classification (germline): Conflicting classifications of pathogenicity. Review status: criteria provided, conflicting classifications (1 of 4 stars). 2 submissions from 2 submitters: Uncertain significance (1); Likely benign (1). Last evaluated 2024-03-26.

Allele frequency attached by ClinVar (database versions not stated): ExAC 0.00001; gnomAD 0.00001; gnomAD exomes 0.00001; TOPMed 0.00001.
gnomAD v4.1: 17 of 1,613,976 alleles (0.0011%); highest among the groups gnomAD compares: South Asian, 0.0044%; no homozygotes.

Submissions (2):

Ambry Genetics
Classification: Likely benign. Last evaluated: 2024-03-26. Review status: criteria provided, single submitter. Criteria: Ambry Variant Classification Scheme 2023. Collection method: clinical testing. Allele origin: germline.

Labcorp Genetics (formerly Invitae), Labcorp
Classification: Uncertain significance. Last evaluated: 2023-12-30. Review status: criteria provided, single submitter. Criteria: Invitae Variant Classification Sherloc (09022015). Collection method: clinical testing. Allele origin: germline.
Comment: This sequence change replaces alanine, which is neutral and non-polar, with valine, which is neutral and non-polar, at codon 551 of the GALNT12 protein (p.Ala551Val). This variant is present in population databases (rs768330574, gnomAD 0.003%). This variant has not been reported in the literature in individuals affected with GALNT12-related conditions. ClinVar contains an entry for this variant (Variation ID: 1777279). Advanced modeling of protein sequence and biophysical properties (such as structural, functional, and spatial information, amino acid conservation, physicochemical variation, residue mobility, and thermodynamic stability) performed at Invitae indicates that this missense variant is not expected to disrupt GALNT12 protein function with a negative predictive value of 80%. In summary, the available evidence is currently insufficient to determine the role of this variant in disease. Therefore, it has been classified as a Variant of Uncertain Significance.

NM_024642.5(GALNT12):c.1652C>T (p.Ala551Val)

Gene: GALNT12 (polypeptide N-acetylgalactosaminyltransferase 12; plus strand). Cytogenetic location: 9q22.33.
Variant type: single nucleotide variant.
Coding change: c.1652C>T on transcript NM_024642.5 (MANE Select); coding-DNA position 1652, C replaced by T.
Protein change: p.Ala551Val; replaces alanine 551 with valine.
Molecular consequence: missense variant.
Genome position (GRCh38, 1-based): chr9:98,848,998, C>T. VCF-style: chr9-98848998-C-T. GRCh37 (hg19) VCF-style: chr9-101611280-C-T.
Other names: short protein forms A551V.
Identifiers: ClinVar variation 1777279 (VCV001777279.5), dbSNP rs768330574, ClinGen allele CA5154336.